The following is an entry in ClinVar:

ClinVar aggregate classification (germline): Uncertain significance. Review status: criteria provided, multiple submitters, no conflicts (2 of 4 stars). 2 submissions from 2 submitters: Uncertain significance (2). Last evaluated 2025-04-25.

Conditions:
Myofibrillar myopathy 5. Also called: Filaminopathy (type); FILAMINOPATHY, AUTOSOMAL DOMINANT. Identifiers: Orphanet 171445, MedGen C1836050, MONDO:0012289, OMIM 609524.
Hypertrophic cardiomyopathy 26. Also called: Cardiomyopathy, familial hypertrophic, 26. Identifiers: Orphanet 75249, MedGen C4310749, MONDO:0014883, OMIM 617047.
Distal myopathy with posterior leg and anterior hand involvement. Also called: WILLIAMS DISTAL MYOPATHY. Identifiers: Orphanet 63273, MedGen C3279722, MONDO:0013550, OMIM 614065.
Cardiovascular phenotype. Identifiers: MedGen CN230736.

Allele frequency attached by ClinVar (database versions not stated): gnomAD exomes 0.00001 and 0.00002.
gnomAD v4.1: 20 of 1,613,964 alleles (0.0012%); highest among the groups gnomAD compares: South Asian, 0.022%; no homozygotes.

Submissions (2):

Ambry Genetics
Classification: Uncertain significance for Cardiovascular phenotype. Last evaluated: 2025-04-25. Review status: criteria provided, single submitter. Criteria: Ambry Variant Classification Scheme 2023. Collection method: clinical testing. Allele origin: germline.

Labcorp Genetics (formerly Invitae), Labcorp
Classification: Uncertain significance for Distal myopathy with posterior leg and anterior hand involvement; Myofibrillar myopathy 5; Hypertrophic cardiomyopathy 26. Last evaluated: 2024-01-22. Review status: criteria provided, single submitter. Criteria: Invitae Variant Classification Sherloc (09022015). Collection method: clinical testing. Allele origin: germline.
Comment: This sequence change replaces proline, which is neutral and non-polar, with serine, which is neutral and polar, at codon 2556 of the FLNC protein (p.Pro2556Ser). This variant is present in population databases (rs765967888, gnomAD 0.02%). This variant has not been reported in the literature in individuals affected with FLNC-related conditions. ClinVar contains an entry for this variant (Variation ID: 937187). Advanced modeling of protein sequence and biophysical properties (such as structural, functional, and spatial information, amino acid conservation, physicochemical variation, residue mobility, and thermodynamic stability) performed at Invitae indicates that this missense variant is not expected to disrupt FLNC protein function with a negative predictive value of 95%. In summary, the available evidence is currently insufficient to determine the role of this variant in disease. Therefore, it has been classified as a Variant of Uncertain Significance.

NM_001458.5(FLNC):c.7666C>T (p.Pro2556Ser)

Genes: FLNC (filamin C; plus strand), FLNC-AS1 (FLNC antisense RNA 1; minus strand). Cytogenetic location: 7q32.1.
Variant type: single nucleotide variant.
Coding change: c.7666C>T on transcript NM_001458.5 (MANE Select); coding-DNA position 7666, C replaced by T.
Protein change: p.Pro2556Ser; replaces proline 2556 with serine.
Molecular consequence: missense variant.
Genome position (GRCh38, 1-based): chr7:128,857,222, C>T. VCF-style: chr7-128857222-C-T. GRCh37 (hg19) VCF-style: chr7-128497276-C-T.
Other names: c.7567C>T, p.Pro2523Ser (NM_001127487.2); short protein forms P2556S, P2523S.
Identifiers: ClinVar variation 937187 (VCV000937187.11), dbSNP rs765967888, ClinGen allele CA4476335.